The following is an entry in ClinVar:

ClinVar aggregate classification (germline): Uncertain significance. Review status: criteria provided, multiple submitters, no conflicts (2 of 4 stars). 2 submissions from 2 submitters: Uncertain significance (2). Last evaluated 2024-07-02.

Conditions:
Sulfite oxidase deficiency due to molybdenum cofactor deficiency type A. Also called: Molybdenum Cofactor Deficiency A; Molybdenum cofactor deficiency, complementation group A. Identifiers: Orphanet 308386, Orphanet 833, MedGen C1854988, MONDO:0009643, OMIM 252150.
Inborn genetic diseases. Identifiers: MedGen C0950123, MeSH D030342.

Allele frequency attached by ClinVar (database versions not stated): gnomAD exomes below 0.00001; TOPMed below 0.00001; gnomAD 0.00001.
gnomAD v4.1: 7 of 1,612,526 alleles (0.00043%); highest among the groups gnomAD compares: South Asian, 0.0033%; no homozygotes.

Submissions (2):

Ambry Genetics
Classification: Uncertain significance for Inborn genetic diseases. Last evaluated: 2024-07-02. Review status: criteria provided, single submitter. Criteria: Ambry Variant Classification Scheme 2023. Collection method: clinical testing. Allele origin: germline.

Labcorp Genetics (formerly Invitae), Labcorp
Classification: Uncertain significance for Sulfite oxidase deficiency due to molybdenum cofactor deficiency type A. Last evaluated: 2021-08-14. Review status: criteria provided, single submitter. Criteria: Invitae Variant Classification Sherloc (09022015). Collection method: clinical testing. Allele origin: germline.
Comment: This sequence change replaces alanine with valine at codon 185 of the MOCS1 protein (p.Ala185Val). The alanine residue is highly conserved and there is a small physicochemical difference between alanine and valine. This variant is not present in population databases (ExAC no frequency). This variant has not been reported in the literature in individuals affected with MOCS1-related conditions. Algorithms developed to predict the effect of missense changes on protein structure and function (SIFT, PolyPhen-2, Align-GVGD) all suggest that this variant is likely to be tolerated. In summary, the available evidence is currently insufficient to determine the role of this variant in disease. Therefore, it has been classified as a Variant of Uncertain Significance.

NM_001358530.2(MOCS1):c.554C>T (p.Ala185Val)

Gene: MOCS1 (molybdenum cofactor synthesis 1; minus strand). Cytogenetic location: 6p21.2.
Variant type: single nucleotide variant.
Coding change: c.554C>T on transcript NM_001358530.2 (MANE Select); coding-DNA position 554, C replaced by T.
Protein change: p.Ala185Val; replaces alanine 185 with valine.
Molecular consequence: missense variant. On other transcripts: non-coding transcript variant (1).
Genome position (GRCh38, 1-based): chr6:39,916,097, G>A on the plus strand (C>T on the coding strand, the complement: MOCS1 is on the minus strand). VCF-style: chr6-39916097-G-A. GRCh37 (hg19) VCF-style: chr6-39883841-G-A.
Other names: c.293C>T, p.Ala98Val (NM_001358531.2, NM_001358533.2, NM_001358534.2); c.554C>T, p.Ala185Val (NM_001075098.4, NM_001358529.2, NM_005943.6); c.554C>T (NM_005943.5); short protein forms A185V, A98V.
Identifiers: ClinVar variation 1448962 (VCV001448962.6), dbSNP rs1277403704, ClinGen allele CA364044334.